The following is an entry in ClinVar:

NM_005228.5(EGFR):c.3512A>T (p.Asp1171Val)

Gene: EGFR (epidermal growth factor receptor; plus strand). Cytogenetic location: 7p11.2.
Variant type: single nucleotide variant.
Coding change: c.3512A>T on transcript NM_005228.5 (MANE Select); coding-DNA position 3512, A replaced by T.
Protein change: p.Asp1171Val; replaces aspartic acid 1171 with valine.
Molecular consequence: missense variant.
Genome position (GRCh38, 1-based): chr7:55,205,496, A>T. VCF-style: chr7-55205496-A-T. GRCh37 (hg19) VCF-style: chr7-55273189-A-T.
Other names: c.3512A>T (NM_005228.3); c.3377A>T, p.Asp1126Val (NM_001346899.2); c.3353A>T, p.Asp1118Val (NM_001346900.2); c.2711A>T, p.Asp904Val (NM_001346941.2); short protein forms D1171V, D1118V, D904V, D1126V.
Identifiers: ClinVar variation 1499078 (VCV001499078.9), dbSNP rs2128975498, ClinGen allele CA367584786.

ClinVar aggregate classification (germline): Uncertain significance. Review status: criteria provided, multiple submitters, no conflicts (2 of 4 stars). 2 submissions from 2 submitters: Uncertain significance (2). Last evaluated 2026-07-07.

Conditions:
Hereditary cancer-predisposing syndrome. Also called: Hereditary Cancer Syndrome; Tumor predisposition; Neoplastic Syndromes, Hereditary; Hereditary neoplastic syndrome. Identifiers: Orphanet 140162, MedGen C0027672, MeSH D009386, MONDO:0015356.
EGFR-related lung cancer (EGFR). Identifiers: MedGen CN130014.

Submissions (2):

Ambry Genetics
Classification: Uncertain significance for Hereditary cancer-predisposing syndrome. Last evaluated: 2026-07-07. Review status: criteria provided, single submitter. Criteria: Ambry Variant Classification Scheme 2023. Collection method: clinical testing. Allele origin: germline.
Comment: The p.D1171V variant (also known as c.3512A>T), located in coding exon 28 of the EGFR gene, results from an A to T substitution at nucleotide position 3512. The aspartic acid at codon 1171 is replaced by valine, an amino acid with highly dissimilar properties. This amino acid position is conserved. In addition, the in silico prediction for this alteration is inconclusive. Based on the available evidence, the clinical significance of this variant remains unclear.

Labcorp Genetics (formerly Invitae), Labcorp
Classification: Uncertain significance for EGFR-related lung cancer. Last evaluated: 2020-12-30. Review status: criteria provided, single submitter. Criteria: Invitae Variant Classification Sherloc (09022015). Collection method: clinical testing. Allele origin: germline.
Comment: This sequence change replaces aspartic acid with valine at codon 1171 of the EGFR protein (p.Asp1171Val). The aspartic acid residue is moderately conserved and there is a large physicochemical difference between aspartic acid and valine. In summary, the available evidence is currently insufficient to determine the role of this variant in disease. Therefore, it has been classified as a Variant of Uncertain Significance. Algorithms developed to predict the effect of missense changes on protein structure and function are either unavailable or do not agree on the potential impact of this missense change (SIFT: "Deleterious"; PolyPhen-2: "Possibly Damaging"; Align-GVGD: "Class C0"). This variant has not been reported in the literature in individuals with EGFR-related conditions. This variant is not present in population databases (ExAC no frequency).